The following is an entry in ClinVar:

ClinVar aggregate classification (germline): Uncertain significance (1 of 4 stars; one submission).

Conditions:
Fanconi anemia (FA). Also called: Fanconi's anemia. Identifiers: Orphanet 84, MedGen C0015625, MeSH D005199, MONDO:0019391.

Submission:

Labcorp Genetics (formerly Invitae), Labcorp
Classification: Uncertain significance for Fanconi anemia. Last evaluated: 2024-04-27. Review status: criteria provided, single submitter. Criteria: Invitae Variant Classification Sherloc (09022015). Collection method: clinical testing. Allele origin: germline.
Comment: This sequence change falls in intron 12 of the FANCG gene. It does not directly change the encoded amino acid sequence of the FANCG protein. It affects a nucleotide within the consensus splice site. This variant is not present in population databases (gnomAD no frequency). This variant has not been reported in the literature in individuals affected with FANCG-related conditions. Variants that disrupt the consensus splice site are a relatively common cause of aberrant splicing (PMID: 17576681, 9536098). Algorithms developed to predict the effect of sequence changes on RNA splicing suggest that this variant may disrupt the consensus splice site. In summary, the available evidence is currently insufficient to determine the role of this variant in disease. Therefore, it has been classified as a Variant of Uncertain Significance.

Literature cited by the submitters: PubMed 17576681; PubMed 9536098.

NM_004629.2(FANCG):c.1636+5_1636+8del

Gene: FANCG (FA complementation group G; minus strand). Cytogenetic location: 9p13.3.
Variant type: Microsatellite.
Coding change: c.1636+5_1636+8del on transcript NM_004629.2 (MANE Select); bases 5 to 8 of the intron after coding-DNA position 1636, 4 bases deleted (GTAT; older notation c.1636+5_1636+8delGTAT).
Molecular consequence: splice donor variant.
Genome position (GRCh38, 1-based): chr9:35,074,919-35,074,922, ATAC deleted on the plus strand (GTAT on the coding strand, the reverse complement: FANCG is on the minus strand); deleting any 4 consecutive bases within chr9:35,074,919-35,074,926 gives the same sequence; the c. name uses the placement nearest the transcript's 3' end. VCF-style (leftmost placement, unchanged base first): chr9-35074918-TATAC-T. GRCh37 (hg19) VCF-style: chr9-35074915-TATAC-T.
Identifiers: ClinVar variation 3710246 (VCV003710246.2).